The following is an entry in ClinVar:

ClinVar aggregate classification (germline): Uncertain significance (1 of 4 stars; one submission).

Submission:

GeneDx
Classification: Uncertain significance. Last evaluated: 2022-12-15. Review status: criteria provided, single submitter. Criteria: GeneDx Variant Classification Process June 2021. Collection method: clinical testing. Allele origin: germline. Affected: yes.
Comment: Not observed at significant frequency in large population cohorts (gnomAD); Frameshift variant predicted to result in protein truncation or nonsense mediated decay in a gene or region of a gene for which loss of function is not a well-established mechanism of disease; Has not been previously published as pathogenic or benign to our knowledge

NM_003718.5(CDK13):c.2880_2881del (p.Glu962fs)

Gene: CDK13 (cyclin dependent kinase 13; plus strand). Cytogenetic location: 7p14.1.
Variant type: Deletion.
Coding change: c.2880_2881del on transcript NM_003718.5 (MANE Select); coding-DNA positions 2880 to 2881, 2 bases deleted (AA; older notation c.2880_2881delAA).
Protein change: p.Glu962fs; shifts the reading frame from glutamic acid 962.
Molecular consequence: frameshift variant.
Genome position (GRCh38, 1-based): chr7:40,078,104-40,078,105, AA deleted. VCF-style (leftmost placement, unchanged base first): chr7-40078103-TAA-T. GRCh37 (hg19) VCF-style: chr7-40117702-TAA-T.
Other names: c.2880_2881delAA, p.Glu962Argfs (NM_031267.4); short protein forms E962fs.
Identifiers: ClinVar variation 1809961 (VCV001809961.1), dbSNP rs2484029990, ClinGen allele CA2580077101.
Genomic context (GRCh38, chr7:40,078,103, plus strand): 5'-ATGTAATCAAACTACCATATTTCAACACCATGAAACCAAAGAAGCAATATCGTCGAAAGT[TAA>T]GAGAAGAATTTGTTTTGTAAGAAGGGGATGTGTAAACATCCTTATTGCATGAATGTTTTA-3'